The following is an entry in ClinVar:

ClinVar aggregate classification (germline): Conflicting classifications of pathogenicity. Review status: criteria provided, conflicting classifications (1 of 4 stars). 3 submissions from 3 submitters: Uncertain significance (1); Likely benign (1). 1 of the submissions does not count toward it. Last evaluated 2024-11-04.

Conditions:
Retinal dystrophy. Also called: Inherited retinal dystrophy. Identifiers: Orphanet 71862, MedGen C0854723, MeSH D058499, MONDO:0019118, HP:0000556.

Allele frequency attached by ClinVar (database versions not stated): ExAC 0.00003; TOPMed 0.00003; gnomAD 0.00004 and 0.00005; ESP Exome Variant Server 0.00008; 1000 Genomes Project 0.00020; 1000 Genomes Project 30x 0.00031.

Submissions (3):

Blueprint Genetics
Classification: Likely benign. Last evaluated: 2024-11-04. Review status: criteria provided, single submitter. Criteria: ACMG Guidelines, 2015. Collection method: clinical testing. Allele origin: germline.

Labcorp Genetics (formerly Invitae), Labcorp
Classification: Uncertain significance. Last evaluated: 2022-08-06. Review status: criteria provided, single submitter. Criteria: Invitae Variant Classification Sherloc (09022015). Collection method: clinical testing. Allele origin: germline.
Comment: This sequence change falls in intron 3 of the RBP3 gene. It does not directly change the encoded amino acid sequence of the RBP3 protein. It affects a nucleotide within the consensus splice site. This variant is present in population databases (rs375541479, gnomAD 0.01%). This variant has not been reported in the literature in individuals affected with RBP3-related conditions. ClinVar contains an entry for this variant (Variation ID: 958522). Variants that disrupt the consensus splice site are a relatively common cause of aberrant splicing (PMID: 17576681, 9536098). Algorithms developed to predict the effect of sequence changes on RNA splicing suggest that this variant is not likely to affect RNA splicing. In summary, the available evidence is currently insufficient to determine the role of this variant in disease. Therefore, it has been classified as a Variant of Uncertain Significance.

Institute of Human Genetics, Univ. Regensburg, Univ. Regensburg
Classification: Uncertain significance for Retinal dystrophy. Last evaluated: 2022-01-01. Review status: no assertion criteria provided. Criteria: ACMG Guidelines, 2015. Collection method: clinical testing. Allele origin: germline. Affected: yes. Not counted in ClinVar's aggregate classification.

Literature cited by the submitters: PubMed 17576681 (cited by Labcorp Genetics (formerly Invitae), Labcorp); PubMed 9536098 (cited by Labcorp Genetics (formerly Invitae), Labcorp).

NM_002900.3(RBP3):c.3388+4C>T

Gene: RBP3 (retinol binding protein 3; plus strand). Cytogenetic location: 10q11.22.
Variant type: single nucleotide variant.
Coding change: c.3388+4C>T on transcript NM_002900.3 (MANE Select); 4 bases into the intron after coding-DNA position 3388, C replaced by T.
Molecular consequence: intron variant.
Genome position (GRCh38, 1-based): chr10:47,355,522, C>T. VCF-style: chr10-47355522-C-T. GRCh37 (hg19) VCF-style: chr10-48383840-G-A.
Identifiers: ClinVar variation 958522 (VCV000958522.9), dbSNP rs375541479, ClinGen allele CA5487065.